The following is an entry in ClinVar:

ClinVar aggregate classification (germline): Uncertain significance. Review status: criteria provided, multiple submitters, no conflicts (2 of 4 stars). 3 submissions from 3 submitters: Uncertain significance (3). Last evaluated 2025-08-13.

Conditions:
Neurodevelopmental disorder with microcephaly, impaired language, and gait abnormalities. Identifiers: MedGen C5436783, MONDO:0100348, OMIM 619091.

gnomAD v4.1: 65 of 1,613,204 alleles (0.004%); highest among the groups gnomAD compares: Non-Finnish European, 0.0047%; no homozygotes.

Submissions (3):

MVZ Medizinische Genetik Mainz
Classification: Uncertain significance for Neurodevelopmental disorder with microcephaly, impaired language, and gait abnormalities. Last evaluated: 2025-08-13. Review status: criteria provided, single submitter. Criteria: UK Practice Guidelines For Variant Classification V4 01 2020. Collection method: clinical testing. Allele origin: germline. Inheritance: Autosomal recessive inheritance. Affected: yes. Observed: 1 variant allele.
Comment: ACMG Criteria: PP3_MOD,PM1_SUP,PM2_SUP

GeneDx
Classification: Uncertain significance. Last evaluated: 2025-04-15. Review status: criteria provided, single submitter. Criteria: GeneDx Variant Classification Process June 2021. Collection method: clinical testing. Allele origin: germline.
Comment: In silico analysis supports that this missense variant has a deleterious effect on protein structure/function; Has not been previously published as pathogenic or benign to our knowledge

Ambry Genetics
Classification: Uncertain significance. Last evaluated: 2025-04-07. Review status: criteria provided, single submitter. Criteria: Ambry Variant Classification Scheme 2023. Collection method: clinical testing. Allele origin: germline.

NM_004539.4(NARS1):c.1168C>T (p.Arg390Trp)

Gene: NARS1 (asparaginyl-tRNA synthetase 1; minus strand). Cytogenetic location: 18q21.31.
Variant type: single nucleotide variant.
Coding change: c.1168C>T on transcript NM_004539.4 (MANE Select); coding-DNA position 1168, C replaced by T.
Protein change: p.Arg390Trp; replaces arginine 390 with tryptophan.
Molecular consequence: missense variant.
Genome position (GRCh38, 1-based): chr18:57,605,940, G>A on the plus strand (C>T on the coding strand, the complement: NARS1 is on the minus strand). VCF-style: chr18-57605940-G-A. GRCh37 (hg19) VCF-style: chr18-55273172-G-A.
Other names: short protein forms R390W.
Identifiers: ClinVar variation 3363371 (VCV003363371.4).